The following is an entry in ClinVar:

ClinVar aggregate classification (germline): Uncertain significance. Review status: criteria provided, multiple submitters, no conflicts (2 of 4 stars). 2 submissions from 2 submitters: Uncertain significance (2). Last evaluated 2025-04-25.

Allele frequency attached by ClinVar (database versions not stated): gnomAD exomes below 0.00001; gnomAD 0.00003; TOPMed 0.00003.
gnomAD v4.1: 8 of 1,546,984 alleles (0.00052%); highest among the groups gnomAD compares: Admixed American, 0.0078%; no homozygotes.

Submissions (2):

GeneDx
Classification: Uncertain significance. Last evaluated: 2025-04-25. Review status: criteria provided, single submitter. Criteria: GeneDx Variant Classification Process June 2021. Collection method: clinical testing. Allele origin: germline. Affected: yes.
Comment: Not observed at significant frequency in large population cohorts (gnomAD); Has not been previously published as pathogenic or benign to our knowledge; In silico analysis does not support a benign or deleterious effect of this variant on protein structure/function

Labcorp Genetics (formerly Invitae), Labcorp
Classification: Uncertain significance. Last evaluated: 2022-04-02. Review status: criteria provided, single submitter. Criteria: Invitae Variant Classification Sherloc (09022015). Collection method: clinical testing. Allele origin: germline.
Comment: Algorithms developed to predict the effect of missense changes on protein structure and function are either unavailable or do not agree on the potential impact of this missense change (SIFT: "Deleterious"; PolyPhen-2: "Not Available"; Align-GVGD: "Class C0"). This variant has not been reported in the literature in individuals affected with PDZD7-related conditions. This variant is not present in population databases (gnomAD no frequency). This sequence change replaces alanine, which is neutral and non-polar, with aspartic acid, which is acidic and polar, at codon 653 of the PDZD7 protein (p.Ala653Asp). In summary, the available evidence is currently insufficient to determine the role of this variant in disease. Therefore, it has been classified as a Variant of Uncertain Significance.

NM_001195263.2(PDZD7):c.1958C>A (p.Ala653Asp)

Gene: PDZD7 (PDZ domain containing 7; minus strand). Cytogenetic location: 10q24.31.
Variant type: single nucleotide variant.
Coding change: c.1958C>A on transcript NM_001195263.2 (MANE Select); coding-DNA position 1958, C replaced by A.
Protein change: p.Ala653Asp; replaces alanine 653 with aspartic acid.
Molecular consequence: missense variant.
Genome position (GRCh38, 1-based): chr10:101,011,737, G>T on the plus strand (C>A on the coding strand, the complement: PDZD7 is on the minus strand). VCF-style: chr10-101011737-G-T. GRCh37 (hg19) VCF-style: chr10-102771494-G-T.
Other names: c.1958C>A (NM_001195263.1); short protein forms A653D.
Identifiers: ClinVar variation 2414149 (VCV002414149.7), dbSNP rs1564628190, ClinGen allele CA378226022.
Genomic context (GRCh38, chr10:101,011,737, plus strand): 5'-GACTCTGACTGACCAGGCACGGGGGTGATAAGGTGACGCTTGGGTGGCGTGTCCTGCCGG[G>T]CTGGTCTCAAAGCAGGAGGCCGGACTGGTTGGAGAGATGAACAGGTCAGCGGCAAGGTAC-3'
Protein context (NP_001182192.1, residues 643-663): RAVRPPALRP[Ala653Asp]RQDTPPKRHL